The following is an entry in ClinVar:

ClinVar aggregate classification (germline): Conflicting classifications of pathogenicity. Review status: criteria provided, conflicting classifications (1 of 4 stars). 4 submissions from 4 submitters: Uncertain significance (3); Likely benign (1). Last evaluated 2024-05-24.

Conditions:
Hereditary cancer-predisposing syndrome. Also called: Hereditary neoplastic syndrome; Neoplastic Syndromes, Hereditary; Tumor predisposition; Hereditary Cancer Syndrome. Identifiers: Orphanet 140162, MedGen C0027672, MeSH D009386, MONDO:0015356.
Hereditary diffuse gastric adenocarcinoma (HDGC). Also called: DIFFUSE GASTRIC AND LOBULAR BREAST CANCER SYNDROME. Identifiers: Orphanet 26106, MedGen C1708349, MONDO:0007648, OMIM 137215.

Submissions (4):

Ambry Genetics
Classification: Likely benign for Hereditary cancer-predisposing syndrome. Last evaluated: 2024-05-24. Review status: criteria provided, single submitter. Criteria: Ambry Variant Classification Scheme 2023. Collection method: clinical testing. Allele origin: germline.

Color Diagnostics, LLC DBA Color Health
Classification: Uncertain significance for Hereditary cancer-predisposing syndrome. Last evaluated: 2022-03-01. Review status: criteria provided, single submitter. Criteria: ACMG Guidelines, 2015. Collection method: clinical testing. Allele origin: germline.
Comment: This missense variant replaces glutamic acid with glutamine at codon 388 of the CDH1 protein. To our knowledge, functional studies have not been reported for this variant. This variant has not been reported in individuals affected with hereditary cancer in the literature. This variant has not been identified in the general population by the Genome Aggregation Database (gnomAD). The available evidence is insufficient to determine the role of this variant in disease conclusively. Therefore, this variant is classified as a Variant of Uncertain Significance.

Labcorp Genetics (formerly Invitae), Labcorp
Classification: Uncertain significance for Hereditary diffuse gastric adenocarcinoma. Last evaluated: 2021-08-31. Review status: criteria provided, single submitter. Criteria: Invitae Variant Classification Sherloc (09022015). Collection method: clinical testing. Allele origin: germline.
Comment: This sequence change replaces glutamic acid with glutamine at codon 388 of the CDH1 protein (p.Glu388Gln). The glutamic acid residue is moderately conserved and there is a small physicochemical difference between glutamic acid and glutamine. This variant is not present in population databases (ExAC no frequency). This variant has not been reported in the literature in individuals affected with CDH1-related conditions. Algorithms developed to predict the effect of missense changes on protein structure and function output the following: SIFT: "Tolerated"; PolyPhen-2: "Benign"; Align-GVGD: "Class C0". The glutamine amino acid residue is found in multiple mammalian species, which suggests that this missense change does not adversely affect protein function. In summary, the available evidence is currently insufficient to determine the role of this variant in disease. Therefore, it has been classified as a Variant of Uncertain Significance.

GeneDx
Classification: Uncertain significance. Last evaluated: 2019-07-22. Review status: criteria provided, single submitter. Criteria: GeneDx Variant Classification Process June 2021. Collection method: clinical testing. Allele origin: germline. Affected: yes.
Comment: Not observed in large population cohorts (Lek et al., 2016); In silico analysis, which includes protein predictors and evolutionary conservation, supports that this variant does not alter protein structure/function; Has not been previously published as pathogenic or benign to our knowledge

NM_004360.5(CDH1):c.1162G>C (p.Glu388Gln)

Gene: CDH1 (cadherin 1; plus strand). Cytogenetic location: 16q22.1.
Variant type: single nucleotide variant.
Coding change: c.1162G>C on transcript NM_004360.5 (MANE Select); coding-DNA position 1162, G replaced by C.
Protein change: p.Glu388Gln; replaces glutamic acid 388 with glutamine.
Molecular consequence: missense variant. On other transcripts: 5 prime UTR variant (2), intron variant (1).
Genome position (GRCh38, 1-based): chr16:68,813,337, G>C. VCF-style: chr16-68813337-G-C. GRCh37 (hg19) VCF-style: chr16-68847240-G-C.
Other names: c.-454G>C (NM_001317185.2); c.-658G>C (NM_001317186.2); c.1137+1074G>C (NM_001317184.2); short protein forms E388Q.
Identifiers: ClinVar variation 1006475 (VCV001006475.10), dbSNP rs372838203, ClinGen allele CA396461105.